The following is an entry in ClinVar:

ClinVar aggregate classification (germline): Pathogenic. Review status: criteria provided, multiple submitters, no conflicts (2 of 4 stars). 3 submissions from 3 submitters: Pathogenic (3). Last evaluated 2023-03-08.

Conditions:
Duchenne muscular dystrophy (DMD). Also called: MUSCULAR DYSTROPHY, PSEUDOHYPERTROPHIC PROGRESSIVE, DUCHENNE TYPE; Duchenne Muscular Dystrophy (DMD). Identifiers: Orphanet 98896, MedGen C0013264, MONDO:0010679, OMIM 310200.

Submissions (3):

Labcorp Genetics (formerly Invitae), Labcorp
Classification: Pathogenic for Duchenne muscular dystrophy. Last evaluated: 2023-03-08. Review status: criteria provided, single submitter. Criteria: Invitae Variant Classification Sherloc (09022015). Collection method: clinical testing. Allele origin: germline.
Comment: This variant is not present in population databases (gnomAD no frequency). This sequence change creates a premature translational stop signal (p.Ile209Metfs*21) in the DMD gene. It is expected to result in an absent or disrupted protein product. Loss-of-function variants in DMD are known to be pathogenic (PMID: 16770791, 25007885). This variant has not been reported in the literature in individuals affected with DMD-related conditions. For these reasons, this variant has been classified as Pathogenic. ClinVar contains an entry for this variant (Variation ID: 198503).

Athena Diagnostics
Classification: Pathogenic. Last evaluated: 2021-05-19. Review status: criteria provided, single submitter. Criteria: Athena Diagnostics Criteria. Collection method: clinical testing. Allele origin: unknown.
Comment: This variant is expected to result in the loss of a functional protein. This variant creates a shift of the reading frame starting in exon 7 of the DMD gene, and has not been reported in large, multi-ethnic general populations. This variant has been identified in at least one individual tested at Athena Diagnostics with clinical features associated with this gene.

Eurofins Ntd Llc (ga)
Classification: Pathogenic. Last evaluated: 2016-01-21. Review status: criteria provided, single submitter. Criteria: EGL Classification Definitions 2015. Collection method: clinical testing. Allele origin: germline. Observed: 1 variant allele, 1 hemizygote.

Literature cited by the submitters: PubMed 16770791 (cited by Labcorp Genetics (formerly Invitae), Labcorp); PubMed 25007885 (cited by Labcorp Genetics (formerly Invitae), Labcorp).

NM_004006.3(DMD):c.627del (p.Ile209fs)

Gene: DMD (dystrophin; minus strand). Cytogenetic location: Xp21.1.
Variant type: Deletion.
Coding change: c.627del on transcript NM_004006.3 (MANE Select); coding-DNA position 627, one base deleted (A; older notation c.627delA).
Protein change: p.Ile209fs; shifts the reading frame from isoleucine 209.
Molecular consequence: frameshift variant.
Genome position (GRCh38, 1-based): chrX:32,809,515, T deleted on the plus strand (A on the coding strand, the reverse complement: DMD is on the minus strand). VCF-style (leftmost placement, unchanged base first): chrX-32809514-CT-C. GRCh37 (hg19) VCF-style: chrX-32827631-CT-C.
Other names: c.603del, p.Ile201fs (NM_000109.4); c.615del, p.Ile205fs (NM_004009.3); c.258del, p.Ile86fs (NM_004010.3); short protein forms I209fs, I201fs, I205fs, I86fs.
Identifiers: ClinVar variation 198503 (VCV000198503.10), dbSNP rs794727862, ClinGen allele CA275405.
Genomic context (GRCh38, chrX:32,809,514, plus strand): 5'-ACCATACTAAAAGCAGTGGTAGTCCAGAAATTTACCAACCTTCAGGATCGAGTAGTTTCT[CT>C]ATGCCTAATTGATATCTGGCGATGTTGAATGCATGTTCCAGTCGTTGTGTGGCTGACTGC-3'